The following is an entry in ClinVar:

NM_006516.4(SLC2A1):c.666C>A (p.Asn222Lys)

Gene: SLC2A1 (solute carrier family 2 member 1; minus strand). Cytogenetic location: 1p34.2.
Variant type: single nucleotide variant.
Coding change: c.666C>A on transcript NM_006516.4 (MANE Select); coding-DNA position 666, C replaced by A.
Protein change: p.Asn222Lys; replaces asparagine 222 with lysine.
Molecular consequence: missense variant.
Genome position (GRCh38, 1-based): chr1:42,929,886, G>T on the plus strand (C>A on the coding strand, the complement: SLC2A1 is on the minus strand). VCF-style: chr1-42929886-G-T. GRCh37 (hg19) VCF-style: chr1-43395557-G-T.
Other names: short protein forms N222K.
Identifiers: ClinVar variation 583266 (VCV000583266.1), dbSNP rs1557646057, ClinGen allele CA339958475.

ClinVar aggregate classification (germline): Uncertain significance (1 of 4 stars; one submission).

Conditions:
GLUT1 deficiency syndrome 1, autosomal recessive. Identifiers: MedGen C3149117.

Submission:

Labcorp Genetics (formerly Invitae), Labcorp
Classification: Uncertain significance for GLUT1 deficiency syndrome 1, autosomal recessive. Last evaluated: 2018-01-22. Review status: criteria provided, single submitter. Criteria: Invitae Variant Classification Sherloc (09022015). Collection method: clinical testing. Allele origin: germline.
Comment: This sequence change replaces asparagine with lysine at codon 222 of the SLC2A1 protein (p.Asn222Lys). The asparagine residue is moderately conserved and there is a moderate physicochemical difference between asparagine and lysine. This variant is not present in population databases (ExAC no frequency). This variant has not been reported in the literature in individuals with SLC2A1-related disease. Algorithms developed to predict the effect of missense changes on protein structure and function (SIFT, PolyPhen-2, Align-GVGD) all suggest that this variant is likely to be tolerated, but these predictions have not been confirmed by published functional studies and their clinical significance is uncertain. In summary, the available evidence is currently insufficient to determine the role of this variant in disease. Therefore, it has been classified as a Variant of Uncertain Significance.